The following is an entry in ClinVar:

NM_002473.6(MYH9):c.3728C>T (p.Ser1243Leu)

Gene: MYH9 (myosin heavy chain 9; minus strand). Cytogenetic location: 22q12.3.
Variant type: single nucleotide variant.
Coding change: c.3728C>T on transcript NM_002473.6 (MANE Select); coding-DNA position 3728, C replaced by T.
Protein change: p.Ser1243Leu; replaces serine 1243 with leucine.
Molecular consequence: missense variant.
Genome position (GRCh38, 1-based): chr22:36,294,201, G>A on the plus strand (C>T on the coding strand, the complement: MYH9 is on the minus strand). VCF-style: chr22-36294201-G-A. GRCh37 (hg19) VCF-style: chr22-36690247-G-A.
Other names: c.3728C>T (NM_002473.5); short protein forms S1243L.
Identifiers: ClinVar variation 1339049 (VCV001339049.4), dbSNP rs959272684, ClinGen allele CA323591548.

ClinVar aggregate classification (germline): Uncertain significance. Review status: criteria provided, multiple submitters, no conflicts (2 of 4 stars). 3 submissions from 3 submitters: Uncertain significance (3). Last evaluated 2026-09-02.

Conditions:
MYH9-related disorder. Identifiers: MedGen C1854520.
Autosomal dominant nonsyndromic hearing loss 17. Also called: Deafness, autosomal dominant 17; Autosomal dominant nonsyndromic deafness 17. Identifiers: Orphanet 90635, MedGen C1863659, MONDO:0011350, OMIM 603622.
Macrothrombocytopenia and granulocyte inclusions with or without nephritis or sensorineural hearing loss (MATINS). Also called: MAY-HEGGLIN ANOMALY; DOHLE LEUKOCYTE INCLUSIONS WITH GIANT PLATELETS; MACROTHROMBOCYTOPENIA WITH LEUKOCYTE INCLUSIONS; BLEEDING DISORDER, PLATELET-TYPE, 6; SEBASTIAN PLATELET SYNDROME; MACROTHROMBOCYTOPENIA WITH DISPERSED LEUKOCYTIC INCLUSIONS. Identifiers: Orphanet 182050, MedGen C5200934, MONDO:0015912, OMIM 155100.

Allele frequency attached by ClinVar (database versions not stated): gnomAD exomes below 0.00001 and 0.00001.

Submissions (3):

PreventionGenetics, part of Exact Sciences
Classification: Uncertain significance for MYH9-related condition. Last evaluated: 2026-09-02. Review status: criteria provided, single submitter. Criteria: ACMG Guidelines, 2015. Collection method: clinical testing. Allele origin: germline.
Comment: The MYH9 c.3728C>T variant is predicted to result in the amino acid substitution p.Ser1243Leu. To our knowledge, this variant has not been reported in the literature. This variant is reported in 0.0033% of alleles in individuals of South Asian descent in gnomAD. At this time, the clinical significance of this variant is uncertain due to the absence of conclusive functional and genetic evidence.

Fulgent Genetics
Classification: Uncertain significance for Macrothrombocytopenia and granulocyte inclusions with or without nephritis or sensorineural hearing loss; Autosomal dominant nonsyndromic hearing loss 17. Last evaluated: 2022-03-31. Review status: criteria provided, single submitter. Criteria: ACMG Guidelines, 2015. Collection method: clinical testing. Allele origin: unknown.

Neuberg Centre For Genomic Medicine, NCGM
Classification: Uncertain significance for Autosomal dominant nonsyndromic hearing loss 17. Review status: criteria provided, single submitter. Criteria: ACMG Guidelines, 2015. Collection method: clinical testing. Allele origin: germline. Affected: yes.
Comment: The missense variant p.S1243L in MYH9 (NM_002473.6) has not been reported previously as a pathogenic variant nor as a benign variant, to our knowledge. There is a large physicochemical difference between serine and leucine, which is likely to impact secondary protein structure as these residues differ in polarity, charge, size and/or other properties. In silico tools predict the variant to be damaging and the residue is conserved across species. For these reasons, this variant has been classified as Uncertain Significance